The following is an entry in ClinVar:

NM_001271803.2(REEP2):c.159G>A (p.Thr53=)

Gene: REEP2 (receptor accessory protein 2; plus strand). Cytogenetic location: 5q31.2.
Variant type: single nucleotide variant.
Coding change: c.159G>A on transcript NM_001271803.2 (MANE Select); coding-DNA position 159, G replaced by A.
Protein change: p.Thr53=; no amino-acid change (threonine 53 retained).
Molecular consequence: synonymous variant. On other transcripts: non-coding transcript variant (2).
Genome position (GRCh38, 1-based): chr5:138,441,438, G>A. VCF-style: chr5-138441438-G-A. GRCh37 (hg19) VCF-style: chr5-137777127-G-A.
Other names: c.159G>A, p.Thr53= (NM_016606.4).
Identifiers: ClinVar variation 766996 (VCV000766996.11), dbSNP rs138667579, ClinGen allele CA3429719.

ClinVar aggregate classification (germline): Likely benign. Review status: criteria provided, single submitter (1 of 4 stars). 2 submissions from 2 submitters: Likely benign (1). 1 of the submissions does not count toward it. Last evaluated 2025-07-08.

Conditions:
REEP2-related disorder. Also called: REEP2-related condition.
Hereditary spastic paraplegia 72 (SPG72A). Also called: Spastic paraplegia 72, autosomal recessive. Identifiers: Orphanet 401849, MedGen C5882669, MONDO:0014282, OMIM 615625.

Allele frequency attached by ClinVar (database versions not stated): gnomAD exomes 0.00012; 1000 Genomes Project 0.00020; TOPMed 0.00023; gnomAD 0.00026 and 0.00028; ExAC 0.00012; 1000 Genomes Project 30x 0.00031; ESP Exome Variant Server 0.00031.
gnomAD v4.1: 216 of 1,614,090 alleles (0.013%); highest among the groups gnomAD compares: African/African-American, 0.071%; no homozygotes.

Submissions (2):

Labcorp Genetics (formerly Invitae), Labcorp
Classification: Likely benign for Hereditary spastic paraplegia 72. Last evaluated: 2025-07-08. Review status: criteria provided, single submitter. Criteria: Invitae Variant Classification Sherloc (09022015). Collection method: clinical testing. Allele origin: germline.

PreventionGenetics, part of Exact Sciences
Classification: Likely benign for REEP2-related condition. Last evaluated: 2019-07-01. Review status: no assertion criteria provided. Collection method: clinical testing. Allele origin: germline. Not counted in ClinVar's aggregate classification.
Comment: This variant is classified as likely benign based on ACMG/AMP sequence variant interpretation guidelines (Richards et al. 2015 PMID: 25741868, with internal and published modifications).